The following is an entry in ClinVar:

ClinVar aggregate classification (germline): Uncertain significance (1 of 4 stars; one submission).

Allele frequency attached by ClinVar (database versions not stated): ExAC 0.00001; gnomAD exomes 0.00001.
gnomAD v4.1: 9 of 1,613,594 alleles (0.00056%); highest among the groups gnomAD compares: Non-Finnish European, 0.000085%; no homozygotes.

Submission:

Labcorp Genetics (formerly Invitae), Labcorp
Classification: Uncertain significance. Last evaluated: 2022-06-14. Review status: criteria provided, single submitter. Criteria: Invitae Variant Classification Sherloc (09022015). Collection method: clinical testing. Allele origin: germline.
Comment: In summary, the available evidence is currently insufficient to determine the role of this variant in disease. Therefore, it has been classified as a Variant of Uncertain Significance. Advanced modeling of protein sequence and biophysical properties (such as structural, functional, and spatial information, amino acid conservation, physicochemical variation, residue mobility, and thermodynamic stability) performed at Invitae indicates that this missense variant is not expected to disrupt OCA2 protein function. This variant has not been reported in the literature in individuals affected with OCA2-related conditions. This variant is present in population databases (rs779005824, gnomAD 0.009%). This sequence change replaces proline, which is neutral and non-polar, with leucine, which is neutral and non-polar, at codon 162 of the OCA2 protein (p.Pro162Leu).

NM_000275.3(OCA2):c.485C>T (p.Pro162Leu)

Gene: OCA2 (OCA2 melanosomal transmembrane protein; minus strand). Cytogenetic location: 15q13.1.
Variant type: single nucleotide variant.
Coding change: c.485C>T on transcript NM_000275.3 (MANE Select); coding-DNA position 485, C replaced by T.
Protein change: p.Pro162Leu; replaces proline 162 with leucine.
Molecular consequence: missense variant.
Genome position (GRCh38, 1-based): chr15:28,027,901, G>A on the plus strand (C>T on the coding strand, the complement: OCA2 is on the minus strand). VCF-style: chr15-28027901-G-A. GRCh37 (hg19) VCF-style: chr15-28273047-G-A.
Other names: c.485C>T, p.Pro162Leu (NM_001300984.2); short protein forms P162L.
Identifiers: ClinVar variation 2006195 (VCV002006195.3), dbSNP rs779005824, ClinGen allele CA7439487.